The following is an entry in ClinVar:

ClinVar aggregate classification (germline): Conflicting classifications of pathogenicity. Review status: criteria provided, conflicting classifications (1 of 4 stars). 4 submissions from 4 submitters: Pathogenic (1); Likely pathogenic (2); Uncertain significance (1). Last evaluated 2026-06-01.

Conditions:
Familial cancer of breast. Also called: Hereditary breast cancer; BREAST CANCER, FAMILIAL; hereditary breast carcinoma. Identifiers: Orphanet 227535, MedGen C0346153, MONDO:0016419, OMIM 114480. Disease mechanism: loss of function.
Hereditary cancer-predisposing syndrome. Also called: Hereditary Cancer Syndrome; Tumor predisposition; Hereditary neoplastic syndrome; Neoplastic Syndromes, Hereditary. Identifiers: Orphanet 140162, MedGen C0027672, MeSH D009386, MONDO:0015356.

Submissions (4):

CeGaT Center for Human Genetics Tuebingen
Classification: Pathogenic. Last evaluated: 2026-06-01. Review status: criteria provided, single submitter. Criteria: CeGaT Center For Human Genetics Tuebingen Variant Classification Criteria Version 2. Collection method: clinical testing. Allele origin: germline. Affected: yes. Observed: 1 variant allele.
Comment: PALB2: PVS1, PM2

Myriad Genetics, Inc.
Classification: Likely pathogenic for Familial cancer of breast. Last evaluated: 2023-12-06. Review status: criteria provided, single submitter. Criteria: Myriad Autosomal Dominant, Autosomal Recessive and X-Linked Classification Criteria (2023). Collection method: clinical testing. Allele origin: unknown.
Comment: This variant is considered likely pathogenic. This variant occurs within a consensus splice junction and is predicted to result in abnormal mRNA splicing of either an out-of-frame exon or an in-frame exon necessary for protein stability and/or normal function.

Labcorp Genetics (formerly Invitae), Labcorp
Classification: Uncertain significance for Familial cancer of breast. Last evaluated: 2023-11-11. Review status: criteria provided, single submitter. Criteria: Invitae Variant Classification Sherloc (09022015). Collection method: clinical testing. Allele origin: germline.
Comment: This sequence change affects an acceptor splice site in intron 4 of the PALB2 gene. It is expected to disrupt RNA splicing. Variants that disrupt the donor or acceptor splice site typically lead to a loss of protein function (PMID: 16199547), and loss-of-function variants in PALB2 are known to be pathogenic (PMID: 17200668, 17200671, 17200672, 24136930, 25099575). This variant is not present in population databases (gnomAD no frequency). Disruption of this splice site has been observed in individual(s) with breast and/or ovarian cancer (PMID: 32546565, 35610400). ClinVar contains an entry for this variant (Variation ID: 628561). Experimental studies have shown that sequence changes at this splice site disrupt the consensus splice site and strengthen a cryptic acceptor site in exon 5, located 24 nucleotides downstream of the natural splice site. This results in an alternative transcript with an in-frame deletion of 8 amino acids, which do not affect known functional domains and/or critical residues (PMID: 30890586). Also, this alternative transcript has been shown to occur naturally in healthy individuals (PMID: 30890586). These studies suggest that the clinical significance of this splice variant may be uncertain. Studies have shown that disruption of this splice site is associated with inconclusive levels of altered splicing (Invitae). In summary, the available evidence is currently insufficient to determine the role of this variant in disease. Therefore, it has been classified as a Variant of Uncertain Significance.

Color Diagnostics, LLC DBA Color Health
Classification: Likely pathogenic for Hereditary cancer-predisposing syndrome. Last evaluated: 2019-08-15. Review status: criteria provided, single submitter. Criteria: ACMG Guidelines, 2015. Collection method: clinical testing. Allele origin: germline.
Comment: This variant causes a G>A nucleotide substitution at the -1 position of intron 4 of the PALB2 gene. Splice site prediction tools suggest that this variant may destroy the splice acceptor site and activate a cryptic splice acceptor site 1 basepair downstream. Although these predictions have not been investigated in published RNA studies, this variant is expected to result in an absent or disrupted protein product due to out-of-frame skipping of exon 5 or the use of the cryptic acceptor site. A naturally occurring alternative transcript using a different intron 4 splice acceptor site has been reported in the literature (PMID: 30890586) and the authors speculated that it may ameliorate the splicing impact of variants at the reference splice acceptor site of intron 4. However, the relative expression of this alternative transcript is low and the clinical relevance of this observation is not known. To our knowledge, this variant has not been reported in individuals affected with hereditary cancer in the literature. This variant has not been identified in the general population by the Genome Aggregation Database (gnomAD). Loss of PALB2 function is a known mechanism of disease. Based on the available evidence, this variant is classified as Likely Pathogenic.

Literature cited by the submitters: PubMed 16199547 (cited by Labcorp Genetics (formerly Invitae), Labcorp); PubMed 17200668 (cited by Labcorp Genetics (formerly Invitae), Labcorp); PubMed 17200671 (cited by Labcorp Genetics (formerly Invitae), Labcorp); PubMed 17200672 (cited by Labcorp Genetics (formerly Invitae), Labcorp); PubMed 24136930 (cited by Labcorp Genetics (formerly Invitae), Labcorp); PubMed 25099575 (cited by Labcorp Genetics (formerly Invitae), Labcorp); PubMed 32546565 (cited by Labcorp Genetics (formerly Invitae), Labcorp); PubMed 35610400 (cited by Labcorp Genetics (formerly Invitae), Labcorp); PubMed 30890586 (cited by Labcorp Genetics (formerly Invitae), Labcorp).

NM_024675.4(PALB2):c.1685-1G>A

Gene: PALB2 (partner and localizer of BRCA2; minus strand). Cytogenetic location: 16p12.2.
Variant type: single nucleotide variant.
Coding change: c.1685-1G>A on transcript NM_024675.4 (MANE Select); the canonical splice acceptor site of the intron before coding-DNA position 1685, G replaced by A.
Molecular consequence: splice acceptor variant. On other transcripts: intron variant (1).
Genome position (GRCh38, 1-based): chr16:23,630,470, C>T on the plus strand (G>A on the coding strand, the complement: PALB2 is on the minus strand). VCF-style: chr16-23630470-C-T. GRCh37 (hg19) VCF-style: chr16-23641791-C-T.
Other names: c.800-1G>A (NM_001407308.1, NM_001407306.1, NM_001407307.1 and 5 more transcripts); c.49-1195G>A (NM_001407314.1); c.-104-1G>A (NM_001407313.1, NM_001407312.1); c.1625-1G>A (NM_001407296.1); c.1685-1G>A (NM_001407297.1, NM_001407302.1, NM_001407298.1 and 3 more transcripts).
Identifiers: ClinVar variation 628561 (VCV000628561.18), dbSNP rs1057520645, ClinGen allele CA395128493.